The following is an entry in ClinVar:

NM_052947.4(ALPK2):c.4625C>T (p.Ser1542Phe)

Genes: ALPK2 (alpha kinase 2; minus strand), LOC126862764 (BRD4-independent group 4 enhancer GRCh37_chr18:56202574-56203773; plus strand). Cytogenetic location: 18q21.31.
Variant type: single nucleotide variant.
Coding change: c.4625C>T on transcript NM_052947.4 (MANE Select); coding-DNA position 4625, C replaced by T.
Protein change: p.Ser1542Phe; replaces serine 1542 with phenylalanine.
Molecular consequence: missense variant.
Genome position (GRCh38, 1-based): chr18:58,535,562, G>A on the plus strand (C>T on the coding strand, the complement: ALPK2 is on the minus strand). VCF-style: chr18-58535562-G-A. GRCh37 (hg19) VCF-style: chr18-56202794-G-A.
Other names: short protein forms S1542F.
Identifiers: ClinVar variation 3530626 (VCV003530626.1).
Genomic context (GRCh38, chr18:58,535,562, plus strand): 5'-CCTGTGGAGTTGTGCGTGTCAACCCCAAGAGAAGCGTGAGTCATTATTGGAAGACAACTA[G>A]AAAGAGGTGAAGTGGGGGAAATCAATTCTGCTTTGTCCTTTTTGCTTTGCTCAGCCTCCC-3'
Protein context (NP_443179.3, residues 1532-1552): AELISPTSPL[Ser1542Phe]SCLPIMTHAS

ClinVar aggregate classification (germline): Uncertain significance (1 of 4 stars; one submission).

Submission:

Ambry Genetics
Classification: Uncertain significance. Last evaluated: 2024-07-03. Review status: criteria provided, single submitter. Criteria: Ambry Variant Classification Scheme 2023. Collection method: clinical testing. Allele origin: germline.
Comment: The p.S1542F variant (also known as c.4625C>T), located in coding exon 4 of the ALPK2 gene, results from a C to T substitution at nucleotide position 4625. The serine at codon 1542 is replaced by phenylalanine, an amino acid with highly dissimilar properties. This amino acid position is conserved. In addition, this alteration is predicted to be tolerated by in silico analysis. Based on the available evidence, the clinical significance of this variant remains unclear.